The following is an entry in ClinVar:

ClinVar aggregate classification (germline): Uncertain significance (1 of 4 stars; one submission).

Conditions:
Congenital anomalies of kidney and urinary tract 2. Identifiers: Orphanet 2190, MedGen C5574705, MONDO:0027676, OMIM 143400.

gnomAD v4.1: 5 of 1,614,030 alleles (0.00031%); highest among the groups gnomAD compares: Non-Finnish European, 0.00042%; no homozygotes.

Submission:

Victorian Clinical Genetics Services, Murdoch Childrens Research Institute
Classification: Uncertain significance for Congenital anomalies of kidney and urinary tract 2. Last evaluated: 2025-09-09. Review status: criteria provided, single submitter. Criteria: ACMG Guidelines, 2015. Collection method: clinical testing. Allele origin: germline. Affected: yes.
Comment: This variant is classified as VUS-3B. Evidence in support of pathogenic classification: Variant is present in gnomAD <0.001 for a dominant condition (v4: 5 heterozygote(s), 0 homozygote(s)). Additional information: Variant is predicted to result in a missense amino acid change from Val to Ala; This variant is heterozygous; This gene is associated with autosomal dominant disease; Alternative amino acid change(s) at the same position are present in gnomAD (highest allele count: v4: 6 heterozygote(s), 0 homozygote(s)); This variant has no previous evidence of pathogenicity; No published evidence of segregation with disease has been identified for this variant; No published functional evidence has been identified for this variant; No comparable missense variants have previous evidence for pathogenicity; Variant is located in the annotated T-box domain (DECIPHER); Missense variant with inconclusive in silico prediction and uninformative conservation; Dominant negative is a known mechanism of disease in this gene and is associated with congenital anomalies of kidney and urinary tract 2 (MIM#143400) (PMID: 26235987); Variants in this gene are known to have variable expressivity (PMID: 26235987); Inheritance information for this variant is not currently available in this individual.

Literature cited by the submitters: PubMed 26235987.

NM_001080508.3(TBX18):c.653T>C (p.Val218Ala)

Gene: TBX18 (T-box transcription factor 18; minus strand). Cytogenetic location: 6q14.3.
Variant type: single nucleotide variant.
Coding change: c.653T>C on transcript NM_001080508.3 (MANE Select); coding-DNA position 653, T replaced by C.
Protein change: p.Val218Ala; replaces valine 218 with alanine.
Molecular consequence: missense variant.
Genome position (GRCh38, 1-based): chr6:84,756,816, A>G on the plus strand (T>C on the coding strand, the complement: TBX18 is on the minus strand). VCF-style: chr6-84756816-A-G. GRCh37 (hg19) VCF-style: chr6-85466534-A-G.
Other names: short protein forms V218A.
Identifiers: ClinVar variation 4532037 (VCV004532037.1).